The following is an entry in ClinVar:

ClinVar aggregate classification (germline): Conflicting classifications of pathogenicity. Review status: criteria provided, conflicting classifications (1 of 4 stars). 4 submissions from 4 submitters: Uncertain significance (3); Likely benign (1). Last evaluated 2025-09-18.

Conditions:
Dystonia 24 (DYT24). Also called: DYT-ANO3. Identifiers: Orphanet 420485, MedGen C3554374, MONDO:0014019, OMIM 615034.
Dystonic disorder. Also called: Dystonia. Identifiers: MedGen C0013421, MONDO:0003441, HP:0001332.

Allele frequency attached by ClinVar (database versions not stated): gnomAD 0.00013 and 0.00014; TOPMed 0.00017; gnomAD exomes 0.00026 and 0.00037; ExAC 0.00031; ESP Exome Variant Server 0.00031.
gnomAD v4.1: 545 of 1,610,924 alleles (0.034%); highest among the groups gnomAD compares: Non-Finnish European, 0.043%; no homozygotes.

Submissions (4):

Labcorp Genetics (formerly Invitae), Labcorp
Classification: Uncertain significance for Dystonic disorder. Last evaluated: 2025-09-18. Review status: criteria provided, single submitter. Criteria: Invitae Variant Classification Sherloc (09022015). Collection method: clinical testing. Allele origin: germline.
Comment: This sequence change replaces tyrosine, which is neutral and polar, with cysteine, which is neutral and slightly polar, at codon 235 of the ANO3 protein (p.Tyr235Cys). This variant is present in population databases (rs144792604, gnomAD 0.05%), and has an allele count higher than expected for a pathogenic variant. This variant has not been reported in the literature in individuals affected with ANO3-related conditions. ClinVar contains an entry for this variant (Variation ID: 388790). Invitae Evidence Modeling of protein sequence and biophysical properties (such as structural, functional, and spatial information, amino acid conservation, physicochemical variation, residue mobility, and thermodynamic stability) has been performed for this missense variant. However, the output from this modeling did not meet the statistical confidence thresholds required to predict the impact of this variant on ANO3 protein function. In summary, the available evidence is currently insufficient to determine the role of this variant in disease. Therefore, it has been classified as a Variant of Uncertain Significance.

GeneDx
Classification: Likely benign. Last evaluated: 2020-08-04. Review status: criteria provided, single submitter. Criteria: GeneDx Variant Classification Process June 2021. Collection method: clinical testing. Allele origin: germline. Affected: yes.
Comment: This variant is associated with the following publications: (PMID: 24151159)

Department of Pathology and Laboratory Medicine, Sinai Health System
Classification: Uncertain significance for dystonia 24. Last evaluated: 2020-05-01. Review status: criteria provided, single submitter. Criteria: ACMG Guidelines, 2015. Collection method: research. Allele origin: germline.

CeGaT Center for Human Genetics Tuebingen
Classification: Uncertain significance. Last evaluated: 2017-11-01. Review status: criteria provided, single submitter. Criteria: CeGaT Center For Human Genetics Tuebingen Variant Classification Criteria Version 2. Collection method: clinical testing. Allele origin: germline. Affected: yes. Observed: 1 variant allele.

NM_031418.4(ANO3):c.704A>G (p.Tyr235Cys)

Gene: ANO3 (anoctamin 3; plus strand). Cytogenetic location: 11p14.2.
Variant type: single nucleotide variant.
Coding change: c.704A>G on transcript NM_031418.4 (MANE Select); coding-DNA position 704, A replaced by G.
Protein change: p.Tyr235Cys; replaces tyrosine 235 with cysteine.
Molecular consequence: missense variant.
Genome position (GRCh38, 1-based): chr11:26,525,646, A>G. VCF-style: chr11-26525646-A-G. GRCh37 (hg19) VCF-style: chr11-26547193-A-G.
Other names: c.887A>G, p.Tyr296Cys (NM_001313726.2); c.266A>G, p.Tyr89Cys (NM_001313727.2); short protein forms Y235C, Y296C, Y89C.
Identifiers: ClinVar variation 388790 (VCV000388790.53), dbSNP rs144792604, ClinGen allele CA5925652.